The following is an entry in ClinVar:

ClinVar aggregate classification (germline): Benign (0 of 4 stars; one submission).

Conditions:
SPINK2-related disorder. Also called: SPINK2-related condition.

Allele frequency attached by ClinVar (database versions not stated): gnomAD exomes 0.00088; gnomAD 0.00674; 1000 Genomes Project 0.00679; TOPMed 0.00753; 1000 Genomes Project 30x 0.00796.

Submission:

PreventionGenetics, part of Exact Sciences
Classification: Benign for SPINK2-related condition. Last evaluated: 2019-05-01. Review status: no assertion criteria provided. Collection method: clinical testing. Allele origin: germline.
Comment: This variant is classified as benign based on ACMG/AMP sequence variant interpretation guidelines (Richards et al. 2015 PMID: 25741868, with internal and published modifications).

NM_001271718.2(SPINK2):c.*153dup

Gene: SPINK2 (serine peptidase inhibitor Kazal type 2; minus strand). Cytogenetic location: 4q12.
Variant type: Duplication.
Coding change: c.*153dup on transcript NM_001271718.2 (MANE Select); 153 bases downstream of the stop codon, one base duplicated (A; older notation c.*153dupA).
Molecular consequence: 3 prime UTR variant. On other transcripts: synonymous variant (1), non-coding transcript variant (3).
Genome position (GRCh38, 1-based): chr4:56,809,986, T duplicated on the plus strand (A on the coding strand, the reverse complement: SPINK2 is on the minus strand). VCF-style (leftmost placement, unchanged base first): chr4-56809985-C-CT. GRCh37 (hg19) VCF-style: chr4-57676151-C-CT.
Other names: c.*206dup (NM_001271719.2, NM_001271721.2); c.*153dup (NM_001271720.2, NM_021114.4); c.404dup, p.Ter135= (NM_001271722.2).
Identifiers: ClinVar variation 3055956 (VCV003055956.2), dbSNP rs150309687, ClinGen allele CA97687716.